The following is an entry in ClinVar:

ClinVar aggregate classification (germline): Uncertain significance (1 of 4 stars; one submission).

Conditions:
Hereditary cancer-predisposing syndrome. Also called: Neoplastic Syndromes, Hereditary; Tumor predisposition; Hereditary Cancer Syndrome; Hereditary neoplastic syndrome. Identifiers: Orphanet 140162, MedGen C0027672, MeSH D009386, MONDO:0015356.

Submission:

Ambry Genetics
Classification: Uncertain significance for Hereditary cancer-predisposing syndrome. Last evaluated: 2025-09-20. Review status: criteria provided, single submitter. Criteria: Ambry Variant Classification Scheme 2023. Collection method: clinical testing. Allele origin: germline.
Comment: The p.T999S variant (also known as c.2996C>G), located in coding exon 4 of the MSH6 gene, results from a C to G substitution at nucleotide position 2996. The threonine at codon 999 is replaced by serine, an amino acid with similar properties. This amino acid position is conserved. In addition, this alteration is predicted to be tolerated by in silico analysis. Based on the available evidence, the clinical significance of this variant remains unclear.

NM_000179.3(MSH6):c.2996C>G (p.Thr999Ser)

Gene: MSH6 (mutS homolog 6; plus strand). Cytogenetic location: 2p16.3.
Variant type: single nucleotide variant.
Coding change: c.2996C>G on transcript NM_000179.3 (MANE Select); coding-DNA position 2996, C replaced by G.
Protein change: p.Thr999Ser; replaces threonine 999 with serine.
Molecular consequence: missense variant. On other transcripts: non-coding transcript variant (5), intron variant (2).
Genome position (GRCh38, 1-based): chr2:47,800,979, C>G. VCF-style: chr2-47800979-C-G. GRCh37 (hg19) VCF-style: chr2-48028118-C-G.
Other names: c.2090C>G, p.Thr697Ser (NM_001406814.1, NM_001406815.1, NM_001406816.1 and 6 more transcripts); c.2699C>G, p.Thr900Ser (NM_001406818.1, NM_001406820.1, NM_001406819.1 and 10 more transcripts); c.2828C>G, p.Thr943Ser (NM_001406826.1); c.2996C>G, p.Thr999Ser (NM_001406798.1, NM_001406800.1, NM_001406808.1 and 2 more transcripts); c.2471C>G, p.Thr824Ser (NM_001406799.1, NM_001406806.1, NM_001406807.1); c.3092C>G, p.Thr1031Ser (NM_001406802.1, NM_001406795.1); c.2918C>G, p.Thr973Ser (NM_001406804.1); c.3002C>G, p.Thr1001Ser (NM_001406813.1); and 4 more; short protein forms T943S, T999S, T1001S, T900S, T697S, T824S, T1031S, T314S.
Identifiers: ClinVar variation 4657417 (VCV004657417.1).